The following is an entry in ClinVar:

ClinVar aggregate classification (germline): Uncertain significance (1 of 4 stars; one submission).

Conditions:
Hereditary cancer-predisposing syndrome. Also called: Hereditary neoplastic syndrome; Hereditary Cancer Syndrome; Neoplastic Syndromes, Hereditary; Tumor predisposition. Identifiers: Orphanet 140162, MedGen C0027672, MeSH D009386, MONDO:0015356.

Submission:

Ambry Genetics
Classification: Uncertain significance for Hereditary cancer-predisposing syndrome. Last evaluated: 2023-05-28. Review status: criteria provided, single submitter. Criteria: Ambry Variant Classification Scheme 2023. Collection method: clinical testing. Allele origin: germline.
Comment: The p.T474S variant (also known as c.1421C>G), located in coding exon 10 of the CDH1 gene, results from a C to G substitution at nucleotide position 1421. The threonine at codon 474 is replaced by serine, an amino acid with similar properties. This amino acid position is conserved. In addition, this alteration is predicted to be tolerated by in silico analysis. Since supporting evidence is limited at this time, the clinical significance of this alteration remains unclear.

NM_004360.5(CDH1):c.1421C>G (p.Thr474Ser)

Gene: CDH1 (cadherin 1; plus strand). Cytogenetic location: 16q22.1.
Variant type: single nucleotide variant.
Coding change: c.1421C>G on transcript NM_004360.5 (MANE Select); coding-DNA position 1421, C replaced by G.
Protein change: p.Thr474Ser; replaces threonine 474 with serine.
Molecular consequence: missense variant. On other transcripts: 5 prime UTR variant (2).
Genome position (GRCh38, 1-based): chr16:68,815,615, C>G. VCF-style: chr16-68815615-C-G. GRCh37 (hg19) VCF-style: chr16-68849518-C-G.
Other names: c.1238C>G, p.Thr413Ser (NM_001317184.2); c.-128C>G (NM_001317185.2); c.-399C>G (NM_001317186.2); short protein forms T413S, T474S.
Identifiers: ClinVar variation 2567623 (VCV002567623.2), dbSNP rs1555516124, ClinGen allele CA396462971.
Genomic context (GRCh38, chr16:68,815,615, plus strand): 5'-TAGCAGTGACGAATGTGGTACCTTTTGAGGTCTCTCTCACCACCTCCACAGCCACCGTCA[C>G]CGTGGATGTGCTGGATGTGAATGAAGCCCCCATCTTTGTGCCTCCTGAAAAGAGAGTGGA-3'
Protein context (NP_004351.1, residues 464-484): VSLTTSTATV[Thr474Ser]VDVLDVNEAP